The following is an entry in ClinVar:

NM_033453.4(ITPA):c.337T>C (p.Tyr113His)

Gene: ITPA (inosine triphosphatase; plus strand). Cytogenetic location: 20p13.
Variant type: single nucleotide variant.
Coding change: c.337T>C on transcript NM_033453.4 (MANE Select); coding-DNA position 337, T replaced by C.
Protein change: p.Tyr113His; replaces tyrosine 113 with histidine.
Molecular consequence: missense variant. On other transcripts: 5 prime UTR variant (4), non-coding transcript variant (2).
Genome position (GRCh38, 1-based): chr20:3,218,558, T>C. VCF-style: chr20-3218558-T-C. GRCh37 (hg19) VCF-style: chr20-3199204-T-C.
Other names: c.214T>C, p.Tyr72His (NM_001267623.2); c.-1T>C (NM_001324236.2, NM_001324237.2, NM_001324238.2 and 1 more transcripts); c.337T>C, p.Tyr113His (NM_001324240.2, NM_001424408.1); c.463T>C, p.Tyr155His (NM_001424409.1); c.286T>C, p.Tyr96His (NM_181493.4); short protein forms Y72H, Y113H, Y96H, Y155H.
Identifiers: ClinVar variation 2127053 (VCV002127053.4), dbSNP rs2067371433, ClinGen allele CA408079872.
Genomic context (GRCh38, chr20:3,218,558, plus strand): 5'-CCTCACTGCCCACCCGCAGGTCTCCACCAGCTCCTGGCCGGGTTCGAGGACAAGTCAGCC[T>C]ATGCGCTCTGCACGTTTGCACTCAGCACCGGGGACCCAAGCCAGCCCGTGCGCCTGTTCA-3'
Protein context (NP_258412.1, residues 103-123): LLAGFEDKSA[Tyr113His]ALCTFALSTG

ClinVar aggregate classification (germline): Uncertain significance (1 of 4 stars; one submission).

Conditions:
Inosine triphosphatase deficiency. Also called: INOSINE TRIPHOSPHATE PYROPHOSPHOHYDROLASE DEFICIENCY. Identifiers: MedGen C0342800, MONDO:0013461, OMIM 613850.

Submission:

Labcorp Genetics (formerly Invitae), Labcorp
Classification: Uncertain significance for Inosine triphosphatase deficiency. Last evaluated: 2022-04-16. Review status: criteria provided, single submitter. Criteria: Invitae Variant Classification Sherloc (09022015). Collection method: clinical testing. Allele origin: germline.
Comment: In summary, the available evidence is currently insufficient to determine the role of this variant in disease. Therefore, it has been classified as a Variant of Uncertain Significance. Algorithms developed to predict the effect of missense changes on protein structure and function are either unavailable or do not agree on the potential impact of this missense change (SIFT: "Tolerated"; PolyPhen-2: "Probably Damaging"; Align-GVGD: "Class C0"). This variant has not been reported in the literature in individuals affected with ITPA-related conditions. This variant is not present in population databases (gnomAD no frequency). This sequence change replaces tyrosine, which is neutral and polar, with histidine, which is basic and polar, at codon 113 of the ITPA protein (p.Tyr113His).